The following is an entry in ClinVar:

NM_001379286.1(ZNF423):c.2214C>T (p.Asp738=)

Gene: ZNF423 (zinc finger protein 423; minus strand). Cytogenetic location: 16q12.1.
Variant type: single nucleotide variant.
Coding change: c.2214C>T on transcript NM_001379286.1 (MANE Select); coding-DNA position 2214, C replaced by T.
Protein change: p.Asp738=; no amino-acid change (aspartic acid 738 retained).
Molecular consequence: synonymous variant.
Genome position (GRCh38, 1-based): chr16:49,636,962, G>A on the plus strand (C>T on the coding strand, the complement: ZNF423 is on the minus strand). VCF-style: chr16-49636962-G-A. GRCh37 (hg19) VCF-style: chr16-49670873-G-A.
Other names: c.2010C>T, p.Asp670= (NM_001271620.2); c.1839C>T, p.Asp613= (NM_001330533.2); c.2190C>T, p.Asp730= (NM_015069.5); c.2190C>T (NM_015069.4).
Identifiers: ClinVar variation 1120651 (VCV001120651.12), dbSNP rs147043161, ClinGen allele CA8046547.

ClinVar aggregate classification (germline): Likely benign. Review status: criteria provided, multiple submitters, no conflicts (2 of 4 stars). 3 submissions from 3 submitters: Likely benign (2). 1 of the submissions does not count toward it. Last evaluated 2025-05-07.

Conditions:
ZNF423-related disorder. Also called: ZNF423-related condition.
Nephronophthisis 14 (NPHP14). Identifiers: Orphanet 2318, MedGen C3539071, MONDO:0013916, OMIM 614844.

Allele frequency attached by ClinVar (database versions not stated): gnomAD exomes 0.00002 and 0.00008; TOPMed 0.00003; ExAC 0.00004; gnomAD 0.00004; ESP Exome Variant Server 0.00015.
gnomAD v4.1: 131 of 1,613,664 alleles (0.0081%); highest among the groups gnomAD compares: Non-Finnish European, 0.0098%; no homozygotes.

Submissions (3):

Labcorp Genetics (formerly Invitae), Labcorp
Classification: Likely benign for Nephronophthisis 14. Last evaluated: 2025-05-07. Review status: criteria provided, single submitter. Criteria: Invitae Variant Classification Sherloc (09022015). Collection method: clinical testing. Allele origin: germline.

Blueprint Genetics
Classification: Likely benign. Last evaluated: 2023-11-23. Review status: criteria provided, single submitter. Criteria: ACMG Guidelines, 2015. Collection method: clinical testing. Allele origin: germline.

PreventionGenetics, part of Exact Sciences
Classification: Likely benign for ZNF423-related condition. Last evaluated: 2023-05-10. Review status: no assertion criteria provided. Collection method: clinical testing. Allele origin: germline. Not counted in ClinVar's aggregate classification.
Comment: This variant is classified as likely benign based on ACMG/AMP sequence variant interpretation guidelines (Richards et al. 2015 PMID: 25741868, with internal and published modifications).